The following is an entry in ClinVar:

ClinVar aggregate classification (germline): Pathogenic/Likely pathogenic. Review status: criteria provided, multiple submitters, no conflicts (2 of 4 stars). 26 submissions from 25 submitters: Pathogenic (12); Likely pathogenic (13). 1 of the submissions does not count toward it. Last evaluated 2026-06-23.

Conditions:
Cystic fibrosis (CF). Also called: MUCOVISCIDOSIS. Identifiers: Orphanet 586, MedGen C0010674, MONDO:0009061, OMIM 219700. Disease mechanism: loss of function.
CFTR-related disorder (CFTR-RD). Also called: CFTR-related disorders; CFTR-related condition. Identifiers: MedGen C5924204, MONDO:7770004.
Congenital bilateral aplasia of vas deferens from CFTR mutation (CBAVD). Identifiers: Orphanet 48, MedGen C0403814, MONDO:0010178, OMIM 277180. Disease mechanism: loss of function.
Hereditary pancreatitis (PCTT). Also called: Hereditary chronic pancreatitis; PRSS1-Related Hereditary Pancreatitis. Identifiers: Orphanet 676, MedGen C0238339, MONDO:0008185, OMIM 167800.
Bronchiectasis with or without elevated sweat chloride 1 (BESC1). Also called: Cystic Fibrosis-Like Syndrome. Identifiers: Orphanet 60033, MedGen C2749757, MONDO:0008887, OMIM 211400.

Allele frequency attached by ClinVar (database versions not stated): ExAC 0.00002; gnomAD 0.00003; TOPMed 0.00003; gnomAD exomes 0.00002.
gnomAD v4.1: 35 of 1,613,770 alleles (0.0022%); highest among the groups gnomAD compares: Middle Eastern, 0.049%; no homozygotes.

Submissions 1 to 8 of 26:

PreventionGenetics, part of Exact Sciences
Classification: Likely pathogenic for CFTR-related condition. Last evaluated: 2026-06-23. Review status: criteria provided, single submitter. Criteria: ACMG Guidelines, 2015. Collection method: clinical testing. Allele origin: germline.
Comment: The CFTR c.14C>T variant is predicted to result in the amino acid substitution p.Pro5Leu. This variant has been reported in the compound heterozygous state in individuals with cystic fibrosis or chronic pancreatitis, typically with mild features and a second pathogenic variant that has been associated with severe forms of cystic fibrosis such as p.Phe508del (see for example: Gené et al. 2008. PubMed ID: 18306312; Thelin et al. 2007. PubMed ID: 17235394; Spicuzza et al. 2012. PubMed ID: 21983161; Steiner et al. 2011. PubMed ID: 21520337). In vitro studies indicate this variant results in impaired CFTR function, presumably through a loss of glycosylation leading to intracellular retention of the receptor (Gené et al. 2008. PubMed ID: 18306312; Raraigh et al. 2018. PubMed ID: 29805046). However, to our knowledge there are no reports of individuals with classic cystic fibrosis who are homozygous for this variant. This variant is reported in 0.0054% of alleles in individuals of European (Non-Finnish) descent in gnomAD and is interpreted as pathogenic/likely pathogenic in ClinVar (Variation ID: 35824). This variant is interpreted as likely pathogenic.

Dasa
Classification: Pathogenic. Last evaluated: 2026-04-09. Review status: criteria provided, single submitter. Criteria: DASA Assertion Criteria. Collection method: clinical testing. Allele origin: germline.
Comment: NM_000492.4(CFTR):c.14C>T (p.Pro5Leu) is a missense variant that results in the substitution of proline with leucine. This variant has been reported in individuals with related phenotype. Segregation evidence has been reported in affected families. Multiple computational predictions support a deleterious effect on the gene or gene product. The variant is present at low frequency in population datasets. Based on the available data, this variant is classified as pathogenic.

Labcorp Genetics (formerly Invitae), Labcorp
Classification: Pathogenic for Cystic fibrosis. Last evaluated: 2026-01-20. Review status: criteria provided, single submitter. Criteria: Invitae Variant Classification Sherloc (09022015). Collection method: clinical testing. Allele origin: germline.
Comment: This sequence change replaces proline, which is neutral and non-polar, with leucine, which is neutral and non-polar, at codon 5 of the CFTR protein (p.Pro5Leu). This variant is present in population databases (rs193922501, gnomAD 0.006%). This missense change has been observed in individuals with bronchiectasis, chronic pancreatitis, cystic fibrosis, and/or other CFTR-related disorders (PMID: 18306312, 19724303, 21520337, 21983161, 25910067). ClinVar contains an entry for this variant (Variation ID: 35824). Invitae Evidence Modeling of protein sequence and biophysical properties (such as structural, functional, and spatial information, amino acid conservation, physicochemical variation, residue mobility, and thermodynamic stability) indicates that this missense variant is expected to disrupt CFTR protein function with a positive predictive value of 95%. Experimental studies have shown that this missense change affects CFTR function (PMID: 17235394, 18306312, 29805046, 30046002). For these reasons, this variant has been classified as Pathogenic.

Natera, Inc.
Classification: Pathogenic for CFTR-related disorders. Last evaluated: 2025-12-12. Review status: criteria provided, single submitter. Criteria: Natera Variant Classification Schema (03/2026). Collection method: clinical testing. Allele origin: germline.
Comment: The c.14C>T variant in CFTR is a missense variant predicted to cause substitution of proline to leucine at amino acid 5. This variant is rare in the general population with a frequency below the threshold expected for the associated phenotype(s). This variant has been observed in one or more individuals affected with the associated recessive disease, as either homozygous or compound heterozygous with a second variant (PMID: 25910067). Additionally, this variant has been observed to segregate in affected family members (PMID: 25910067). Computational prediction algorithms indicate this variant is likely to affect gene or protein function. Given the available evidence, this variant is classified as Pathogenic.

Otogenetics
Classification: Pathogenic for Cystic fibrosis; Congenital bilateral aplasia of vas deferens from CFTR mutation. Last evaluated: 2025-11-19. Review status: criteria provided, single submitter. Criteria: ACMG Guidelines, 2015. Collection method: clinical testing. Allele origin: germline.
Comment: PS3_Supporting: Well-established in vitro and in vivo functional studies supportive of damaging effect on the gene product, with low residual enzymatic activity relative to wild-type reported (PMID: 17235394, 18306312, 29805046); PM2: Maximum gnomAD MAF of 0.0054% in European-Non Finnish (NFE) subpopulation (<0.296% threshold); PM3_VeryStrong: Variant reported in trans with 3 pathogenic variants in 10 individuals affected with cystic fibrosis (PMID: 18306312, 21520337, 21983161); PP3: In-silico models predict deleterious effect (Revel = 0.89, BayesDel = 0.29)

GeneDx
Classification: Likely pathogenic. Last evaluated: 2025-10-16. Review status: criteria provided, single submitter. Criteria: GeneDx Variant Classification Process June 2021. Collection method: clinical testing. Allele origin: germline.
Comment: Published functional studies demonstrate a damaging effect on chloride channel activity, protein maturation, and cellular localization (PMID: 17235394, 18306312, 29805046); In silico analysis supports that this missense variant has a deleterious effect on protein structure/function; Classified as a variant of varying clinical consequence in a well-curated database (CFTR2); This variant is associated with the following publications: (PMID: 31036917, 34426522, 31328366, 20351101, 20351098, 17235394, 9439669, 25735457, 18306312, 23430892, 25910067, 30134826, 28736296, 27264265, 19897426, 19318035, 17594398, 17331079, 17137500, 33572515, 30046002, 25754095, 25658530, 31776420, 15758663, 21520337, 11938439, 17594397, 19724303, 21983161, 34996830, 35869019, 29805046, 34860163, 37628659, 33374015, 28603918, 38933898, 40944809, 38388235, 39740802, 39291770, 39574132, 39233118)

First Genomix Gene Laboratory, Genetic Diagnostics Department
Classification: Pathogenic for Congenital bilateral aplasia of vas deferens from CFTR mutation; Cystic fibrosis. Last evaluated: 2025-09-04. Review status: criteria provided, single submitter. Criteria: ACMG Guidelines, 2015. Collection method: clinical testing. Allele origin: germline. Inheritance: Autosomal recessive inheritance. Affected: no. Observed: 1 variant allele.

New York Genome Center
Classification: Pathogenic for Cystic fibrosis. Last evaluated: 2025-06-24. Review status: criteria provided, single submitter. Criteria: NYGC Assertion Criteria 2020. Collection method: clinical testing. Allele origin: inherited. Observed: 1 variant allele, 1 compound heterozygote.
Comment: The inherited, heterozygous c.14C>T variant in CFTR is a single nucleotide variant predicted to replace a highly conserved Proline with Leucine at amino acid 5 (of 1480; p.(Pro5Leu)) within exon 1 of this 27-exon gene. The c.14C>T variant is deposited in ClinVar as Pathogenic (n=6) and Likely Pathogenic (n=12) with no conflicts and an affected status provided for six submissions (ClinVar ID: 35824). The c.14C>T variant has been reported in 128 individuals with Cystic Fibrosis worldwide. The c.14C>T variant has been reported in individuals with Cystic Fibrosis diagnosed by a positive sweat test in literature [PMID: 9439669, 18306312, 21520337, 19724303, 21983161, 34860163, 17594398, 17594397, 25658530]. The c.14C>T variant has been reported in at least 9 individuals with the p.Phe508del variant and with positive or borderline sweat tests in literature, however, when reported individuals had pancreatic sufficiency, no hepatobiliary disease, and absent or mild respiratory symptoms suggesting that individuals carrying both variants can be asymptomatic or mildly affected [PMID: 21520337, 21983161, 17594398]. The c.14C>T variant is observed in 35 alleles (2.2e-5 minor allele frequency with 0 homozygotes; gnomAD v4.1.0) and 33 alleles (4.0e-5 minor allele frequency with 0 homozygotes; All of Us) in population databases, suggesting it is not a common benign variant in the populations represented in those databases. In silico algorithms predict this variant to be damaging to protein function (REVEL=0.887, Alpha Missense = 0.753), and functional studies support these predictions [PMID: 18306312, 29805046]. Based on available evidence the inherited, heterozygous c.14C>T, p.(Pro5Leu) variant identified in CFTR is classified as Pathogenic.

NM_000492.4(CFTR):c.14C>T (p.Pro5Leu)

Gene: CFTR (CF transmembrane conductance regulator; plus strand). Cytogenetic location: 7q31.2.
Variant type: single nucleotide variant.
Coding change: c.14C>T on transcript NM_000492.4 (MANE Select); coding-DNA position 14, C replaced by T.
Protein change: p.Pro5Leu; replaces proline 5 with leucine.
Molecular consequence: missense variant.
Genome position (GRCh38, 1-based): chr7:117,480,108, C>T. VCF-style: chr7-117480108-C-T. GRCh37 (hg19) VCF-style: chr7-117120162-C-T.
Other names: short protein forms P5L.
Identifiers: ClinVar variation 35824 (VCV000035824.72), dbSNP rs193922501, ClinGen allele CA325691.